The following is an entry in ClinVar:

ClinVar aggregate classification (germline): Conflicting classifications of pathogenicity. Review status: criteria provided, conflicting classifications (1 of 4 stars). 4 submissions from 4 submitters: Uncertain significance (3); Likely benign (1). Last evaluated 2025-12-23.

Conditions:
Melnick-Needles syndrome (MNS). Also called: MELNICK-NEEDLES OSTEODYSPLASTY; Melnick-Needles Syndrome (FLNA-MNS); OSTEODYSPLASTY OF MELNICK AND NEEDLES. Identifiers: Orphanet 2484, MedGen C0025237, MONDO:0010650, OMIM 309350.
Frontometaphyseal dysplasia (FMD1). Identifiers: Orphanet 1826, MedGen C0265293, MONDO:0015942.
Heterotopia, periventricular, X-linked dominant (PVNH1). Also called: X-linked periventricular heterotopia; PERIVENTRICULAR NODULAR HETEROTOPIA 4; HETEROTOPIA, PERIVENTRICULAR, 1; PERIVENTRICULAR NODULAR HETEROTOPIA 1. Identifiers: Orphanet 2149, Orphanet 82004, MedGen C1848213, MONDO:0010233, OMIM 300049.
Oto-palato-digital syndrome, type II (OPD2). Also called: FACIOPALATOOSSEOUS SYNDROME; Otopalatodigital Syndrome, Type II; Otopalatodigital Syndrome Type 2 (FLNA-OPD2); OPD II SYNDROME. Identifiers: Orphanet 669, Orphanet 90652, MedGen C1844696, MONDO:0010571, OMIM 304120.

Allele frequency attached by ClinVar (database versions not stated): ExAC below 0.00001; gnomAD 0.00001; TOPMed 0.00001.
gnomAD v4.1: 4 of 1,208,055 alleles (0.00033%); highest among the groups gnomAD compares: Non-Finnish European, 0.00045%; no homozygotes.

Submissions (4):

Women's Health and Genetics/Laboratory Corporation of America, LabCorp
Classification: Uncertain significance. Last evaluated: 2025-12-23. Review status: criteria provided, single submitter. Criteria: LabCorp Variant Classification Summary - May 2015. Collection method: clinical testing. Allele origin: germline.
Comment: Variant summary: FLNA c.6983C>T (p.Pro2328Leu) results in a non-conservative amino acid change in the encoded protein sequence. Algorithms developed to predict the effect of missense changes on protein structure and function all suggest that this variant is likely to be disruptive. The variant was absent in 180369 control chromosomes. The available data on variant occurrences in the general population are insufficient to allow any conclusion about variant significance. To our knowledge, no occurrence of c.6983C>T in individuals affected with FLNA-related conditions and no experimental evidence demonstrating its impact on protein function have been reported. ClinVar contains an entry for this variant (Variation ID: 652489). Based on the evidence outlined above, the variant was classified as uncertain significance.

Labcorp Genetics (formerly Invitae), Labcorp
Classification: Uncertain significance for Oto-palato-digital syndrome, type II; Heterotopia, periventricular, X-linked dominant; Frontometaphyseal dysplasia; Melnick-Needles syndrome. Last evaluated: 2025-11-03. Review status: criteria provided, single submitter. Criteria: Invitae Variant Classification Sherloc (09022015). Collection method: clinical testing. Allele origin: germline.
Comment: This sequence change replaces proline, which is neutral and non-polar, with leucine, which is neutral and non-polar, at codon 2320 of the FLNA protein (p.Pro2320Leu). This variant is not present in population databases (gnomAD no frequency). This variant has not been reported in the literature in individuals affected with FLNA-related conditions. ClinVar contains an entry for this variant (Variation ID: 652489). Invitae Evidence Modeling of protein sequence and biophysical properties (such as structural, functional, and spatial information, amino acid conservation, physicochemical variation, residue mobility, and thermodynamic stability) indicates that this missense variant is not expected to disrupt FLNA protein function with a negative predictive value of 95%. In summary, the available evidence is currently insufficient to determine the role of this variant in disease. Therefore, it has been classified as a Variant of Uncertain Significance.

Blueprint Genetics
Classification: Likely benign. Last evaluated: 2022-12-15. Review status: criteria provided, single submitter. Criteria: ACMG Guidelines, 2015. Collection method: clinical testing. Allele origin: germline.

ARUP Laboratories, Molecular Genetics and Genomics, ARUP Laboratories
Classification: Uncertain significance. Last evaluated: 2018-09-04. Review status: criteria provided, single submitter. Criteria: ARUP Molecular Germline Variant Investigation Process. Collection method: clinical testing. Allele origin: germline.
Comment: The FLNA c.6959C>T; p.Pro2320Leu variant (rs782310851), to our knowledge, is not described in the medical literature or in gene-specific databases. It is also absent from general population databases (1000 Genomes Project, Exome Variant Server, and Genome Aggregation Database), indicating it is not a common polymorphism. The proline at codon 2320 is moderately conserved, but computational algorithms (PolyPhen-2, SIFT) predict that this variant is tolerated. However, due to the lack of clinical and functional data regarding this variant, its clinical significance cannot be determined with certainty.

NM_001110556.2(FLNA):c.6983C>T (p.Pro2328Leu)

Gene: FLNA (filamin A; minus strand). Cytogenetic location: Xq28.
Variant type: single nucleotide variant.
Coding change: c.6983C>T on transcript NM_001110556.2 (MANE Select); coding-DNA position 6983, C replaced by T.
Protein change: p.Pro2328Leu; replaces proline 2328 with leucine.
Molecular consequence: missense variant.
Genome position (GRCh38, 1-based): chrX:154,351,621, G>A on the plus strand (C>T on the coding strand, the complement: FLNA is on the minus strand). VCF-style: chrX-154351621-G-A. GRCh37 (hg19) VCF-style: chrX-153579989-G-A.
Other names: c.6959C>T, p.Pro2320Leu (NM_001456.4); short protein forms P2320L, P2328L.
Identifiers: ClinVar variation 652489 (VCV000652489.20), dbSNP rs782310851, ClinGen allele CA10559982.